The following is an entry in ClinVar:

NM_000161.3(GCH1):c.*736A>G

Gene: GCH1 (GTP cyclohydrolase 1; minus strand). Cytogenetic location: 14q22.2.
Variant type: single nucleotide variant.
Coding change: c.*736A>G on transcript NM_000161.3 (MANE Select); 736 bases downstream of the stop codon, A replaced by G.
Molecular consequence: 3 prime UTR variant. On other transcripts: intron variant (3).
Genome position (GRCh38, 1-based): chr14:54,843,281, T>C on the plus strand (A>G on the coding strand, the complement: GCH1 is on the minus strand). VCF-style: chr14-54843281-T-C. GRCh37 (hg19) VCF-style: chr14-55309999-T-C.
Other names: c.627-227A>G (NM_001024071.2); c.*13-227A>G (NM_001024070.2); c.*17-227A>G (NM_001024024.2).
Identifiers: ClinVar variation 313377 (VCV000313377.6), dbSNP rs150176097, ClinGen allele CA10645462.

ClinVar aggregate classification (germline): Conflicting classifications of pathogenicity. Review status: criteria provided, conflicting classifications (1 of 4 stars). 3 submissions from 2 submitters: Uncertain significance (1); Benign (1); Likely benign (1). Last evaluated 2025-09-10.

Conditions:
GTP cyclohydrolase I deficiency. Identifiers: MedGen C0268467, MONDO:0100184.
Dystonia 5 (DRD). Also called: DYSTONIA, PROGRESSIVE, WITH DIURNAL VARIATION; DYSTONIA-PARKINSONISM WITH DIURNAL FLUCTUATION; Dystonia, DOPA-responsive, with or without hyperphenylalaninemia; GTP Cyclohydrolase 1-Deficient Dopa-Responsive Dystonia; DYT-GCH1. Identifiers: Orphanet 98808, MedGen C1851920, MONDO:0007495, OMIM 128230.

Allele frequency attached by ClinVar (database versions not stated): gnomAD exomes 0.00058; 1000 Genomes Project 30x 0.00125; gnomAD 0.00146 and 0.00151; TOPMed 0.00155; 1000 Genomes Project 0.00160.
gnomAD v4.1: 947 of 1,375,352 alleles (0.069%); highest among the groups gnomAD compares: Middle Eastern, 0.81%; 2 homozygotes.

Submissions (3):

Genomic Medicine Center of Excellence, King Faisal Specialist Hospital and Research Centre
Classification: Likely benign for Dystonia 5. Last evaluated: 2025-09-10. Review status: criteria provided, single submitter. Criteria: ACMG Guidelines, 2015. Collection method: clinical testing. Allele origin: germline.

Illumina Laboratory Services, Illumina
Classification: Benign for Dystonia 5. Last evaluated: 2018-01-12. Review status: criteria provided, single submitter. Criteria: ICSL Variant Classification Criteria 13 December 2019. Collection method: clinical testing. Allele origin: germline.
Comment: This variant was observed in the ICSL laboratory as part of a predisposition screen in an ostensibly healthy population. It had not been previously curated by ICSL or reported in the Human Gene Mutation Database (HGMD: prior to June 1st, 2018), and was therefore a candidate for classification through an automated scoring system. Utilizing variant allele frequency, disease prevalence and penetrance estimates, and inheritance mode, an automated score was calculated to assess if this variant is too frequent to cause the disease. Based on the score and internal cut-off values, a variant classified as benign is not then subjected to further curation. The score for this variant resulted in a classification of benign for this disease.

Illumina Laboratory Services, Illumina
Classification: Uncertain significance for GTP cyclohydrolase I deficiency with hyperphenylalaninemia. Last evaluated: 2018-01-12. Review status: criteria provided, single submitter. Criteria: ICSL Variant Classification Criteria 13 December 2019. Collection method: clinical testing. Allele origin: germline.